The following is an entry in ClinVar:

ClinVar aggregate classification (germline): Uncertain significance (1 of 4 stars; one submission).

Allele frequency attached by ClinVar (database versions not stated): TOPMed below 0.00001.
gnomAD v4.1: 8 of 1,614,144 alleles (0.0005%); highest among the groups gnomAD compares: Admixed American, 0.0033%; no homozygotes.

Submission:

Labcorp Genetics (formerly Invitae), Labcorp
Classification: Uncertain significance. Last evaluated: 2022-04-11. Review status: criteria provided, single submitter. Criteria: Invitae Variant Classification Sherloc (09022015). Collection method: clinical testing. Allele origin: germline.
Comment: This sequence change replaces valine, which is neutral and non-polar, with methionine, which is neutral and non-polar, at codon 724 of the DHX38 protein (p.Val724Met). This variant is present in population databases (rs766828382, gnomAD 0.003%). This variant has not been reported in the literature in individuals affected with DHX38-related conditions. ClinVar contains an entry for this variant (Variation ID: 1039773). Algorithms developed to predict the effect of missense changes on protein structure and function are either unavailable or do not agree on the potential impact of this missense change (SIFT: "Deleterious"; PolyPhen-2: "Probably Damaging"; Align-GVGD: "Class C15"). In summary, the available evidence is currently insufficient to determine the role of this variant in disease. Therefore, it has been classified as a Variant of Uncertain Significance.

NM_014003.4(DHX38):c.2170G>A (p.Val724Met)

Gene: DHX38 (DEAH-box helicase 38; plus strand). Cytogenetic location: 16q22.2.
Variant type: single nucleotide variant.
Coding change: c.2170G>A on transcript NM_014003.4 (MANE Select); coding-DNA position 2170, G replaced by A.
Protein change: p.Val724Met; replaces valine 724 with methionine.
Molecular consequence: missense variant.
Genome position (GRCh38, 1-based): chr16:72,105,045, G>A. VCF-style: chr16-72105045-G-A. GRCh37 (hg19) VCF-style: chr16-72138944-G-A.
Other names: short protein forms V724M.
Identifiers: ClinVar variation 1039773 (VCV001039773.6), dbSNP rs766828382, ClinGen allele CA8160561.